The following is an entry in ClinVar:

ClinVar aggregate classification (germline): Conflicting classifications of pathogenicity. Review status: criteria provided, conflicting classifications (1 of 4 stars). 9 submissions from 9 submitters: Pathogenic (1); Likely pathogenic (1); Uncertain significance (6). 1 of the submissions does not count toward it. Last evaluated 2025-12-22.

Conditions:
Very long chain acyl-CoA dehydrogenase deficiency (ACADVLD). Also called: VLCAD Deficiency; Very Long-Chain Acyl-Coenzyme A Dehydrogenase Deficiency. Identifiers: Orphanet 26793, MedGen C3887523, MONDO:0008723, OMIM 201475.

Allele frequency attached by ClinVar (database versions not stated): TOPMed below 0.00001; ExAC 0.00001; gnomAD 0.00001; gnomAD exomes 0.00001; ESP Exome Variant Server 0.00008.
gnomAD v4.1: 39 of 1,610,534 alleles (0.0024%); highest among the groups gnomAD compares: Admixed American, 0.0033%; no homozygotes.

Submissions (9):

Myriad Genetics, Inc.
Classification: Uncertain significance for Very long chain acyl-CoA dehydrogenase deficiency. Last evaluated: 2025-12-22. Review status: criteria provided, single submitter. Criteria: Myriad Autosomal Dominant, Autosomal Recessive and X-Linked Classification Criteria (2023). Collection method: clinical testing. Allele origin: unknown.
Comment: NM_000018.3(ACADVL):c.1182+3G>T is an intronic variant classified as a variant of uncertain significance in the context of very-long-chain acyl-CoA dehydrogenase deficiency. c.1182+3G>T has been observed in a case with relevant disease (PMID: 23480858). Relevant functional assessments of this variant are not available in the literature. c.1182+3G>T has been observed in referenced population frequency databases. In summary, there is insufficient evidence to classify NM_000018.3(ACADVL):c.1182+3G>T as pathogenic or benign. Please note: this variant was assessed in the context of healthy population screening.

Labcorp Genetics (formerly Invitae), Labcorp
Classification: Uncertain significance for Very long chain acyl-CoA dehydrogenase deficiency. Last evaluated: 2024-07-30. Review status: criteria provided, single submitter. Criteria: Invitae Variant Classification Sherloc (09022015). Collection method: clinical testing. Allele origin: germline.
Comment: This sequence change falls in intron 11 of the ACADVL gene. It does not directly change the encoded amino acid sequence of the ACADVL protein. It affects a nucleotide within the consensus splice site. This variant is present in population databases (rs376281637, gnomAD 0.003%). This variant has been observed in individual(s) with a positive newborn screening result for ACADVL-related disease (PMID: 23480858; Invitae). ClinVar contains an entry for this variant (Variation ID: 932804). Variants that disrupt the consensus splice site are a relatively common cause of aberrant splicing (PMID: 17576681, 9536098). Algorithms developed to predict the effect of sequence changes on RNA splicing suggest that this variant may disrupt the consensus splice site. In summary, the available evidence is currently insufficient to determine the role of this variant in disease. Therefore, it has been classified as a Variant of Uncertain Significance.

Fulgent Genetics
Classification: Likely pathogenic for Very long chain acyl-CoA dehydrogenase deficiency. Last evaluated: 2024-05-17. Review status: criteria provided, single submitter. Criteria: ACMG Guidelines, 2015. Collection method: clinical testing. Allele origin: germline.

Baylor Genetics
Classification: Pathogenic for Very long chain acyl-CoA dehydrogenase deficiency. Last evaluated: 2023-08-22. Review status: criteria provided, single submitter. Criteria: ACMG Guidelines, 2015. Collection method: clinical testing. Allele origin: unknown.

Revvity Omics, Revvity
Classification: Uncertain significance for Very long chain acyl-CoA dehydrogenase deficiency. Last evaluated: 2022-05-11. Review status: criteria provided, single submitter. Criteria: ACMG Guidelines, 2015. Collection method: clinical testing. Allele origin: germline.

Women's Health and Genetics/Laboratory Corporation of America, LabCorp
Classification: Uncertain significance. Last evaluated: 2021-11-07. Review status: criteria provided, single submitter. Criteria: LabCorp Variant Classification Summary - May 2015. Collection method: clinical testing. Allele origin: germline.
Comment: Variant summary: ACADVL c.1182+3G>T alters a non-conserved nucleotide located close to a canonical splice site and therefore could affect mRNA splicing, leading to a significantly altered protein sequence. 4/4 computational tools predict no significant impact on normal splicing. However, these predictions have yet to be confirmed by functional studies. The variant allele was found at a frequency of 8e-06 in 251454 control chromosomes. The available data on variant occurrences in the general population are insufficient to allow any conclusion about variant significance. c.1182+3G>T has been reported in the literature in one asymptomatic newborn within a setting of cohort referral because of a suspicion of VLCADD but some uncertainty in diagnosis (example, Schiff_2013 with overlapping reporting by Pena_2016). These report(s) do not provide unequivocal conclusions about association of the variant with Very Long Chain Acyl-CoA Dehydrogenase Deficiency. To our knowledge, no experimental evidence demonstrating an impact on protein function has been reported. Two clinical diagnostic laboratories have submitted clinical-significance assessments for this variant to ClinVar after 2014 without evidence for independent evaluation. All laboratories classified the variant as uncertain significance. Based on the evidence outlined above, the variant was classified as uncertain significance.

GeneDx
Classification: Uncertain significance. Last evaluated: 2021-02-03. Review status: criteria provided, single submitter. Criteria: GeneDx Variant Classification Process June 2021. Collection method: clinical testing. Allele origin: germline. Affected: yes.
Comment: Not observed at a significant frequency in large population cohorts (Lek et al., 2016); In silico analysis supports that this variant does not alter splicing; This variant is associated with the following publications: (PMID: 23480858, 27209629)

Wong Mito Lab, Molecular and Human Genetics, Baylor College of Medicine
Classification: Uncertain significance for Very long chain acyl-CoA dehydrogenase deficiency. Last evaluated: 2019-11-01. Review status: criteria provided, single submitter. Criteria: ACMG Guidelines, 2015. Collection method: clinical testing. Allele origin: germline.
Comment: The NM_000018.3:c.1182+3G>T (NP_000009.1:p.?) [GRCH38: NC_000017.11:g.7223240G>T] variant in ACADVL gene is interpretated to be Uncertain Significance based on ACMG guidelines (PMID: 25741868). This variant has been reported. This variant meets the following evidence codes reported in the ACMG guidelines: BP4

Natera, Inc.
Classification: Uncertain significance for Very long chain acyl-CoA dehydrogenase deficiency. Last evaluated: 2021-03-05. Review status: no assertion criteria provided. Collection method: clinical testing. Allele origin: germline. Not counted in ClinVar's aggregate classification.

Literature cited by the submitters: PubMed 23480858 (cited by 3 submitters); PubMed 17576681 (cited by Labcorp Genetics (formerly Invitae), Labcorp); PubMed 9536098 (cited by Labcorp Genetics (formerly Invitae), Labcorp); PubMed 27209629 (cited by Women's Health and Genetics/Laboratory Corporation of America, LabCorp).

NM_000018.4(ACADVL):c.1182+3G>T

Gene: ACADVL (acyl-CoA dehydrogenase very long chain; plus strand). Cytogenetic location: 17p13.1.
Variant type: single nucleotide variant.
Coding change: c.1182+3G>T on transcript NM_000018.4 (MANE Select); 3 bases into the intron after coding-DNA position 1182, G replaced by T.
Molecular consequence: intron variant.
Genome position (GRCh38, 1-based): chr17:7,223,240, G>T. VCF-style: chr17-7223240-G-T. GRCh37 (hg19) VCF-style: chr17-7126559-G-T.
Other names: c.1251+3G>T (NM_001270447.2); c.954+3G>T (NM_001270448.2); c.1116+3G>T (NM_001033859.3).
Identifiers: ClinVar variation 932804 (VCV000932804.17), dbSNP rs376281637, ClinGen allele CA8337982.